The following is an entry in ClinVar:

ClinVar aggregate classification (germline): Uncertain significance (1 of 4 stars; one submission).

Conditions:
Hereditary spastic paraplegia 43. Also called: Spastic paraplegia 43, autosomal recessive. Identifiers: Orphanet 320370, MedGen C2680446, MONDO:0014024, OMIM 615043.

Submission:

Labcorp Genetics (formerly Invitae), Labcorp
Classification: Uncertain significance for Hereditary spastic paraplegia 43. Last evaluated: 2025-06-13. Review status: criteria provided, single submitter. Criteria: Invitae Variant Classification Sherloc (09022015). Collection method: clinical testing. Allele origin: germline.
Comment: This sequence change creates a premature translational stop signal (p.Leu128Cysfs*10) in the C19orf12 gene. While this is not anticipated to result in nonsense mediated decay, it is expected to disrupt the last 25 amino acid(s) of the C19orf12 protein. This variant is not present in population databases (gnomAD no frequency). This variant has not been reported in the literature in individuals affected with C19orf12-related conditions. ClinVar contains an entry for this variant (Variation ID: 3640706). In summary, the available evidence is currently insufficient to determine the role of this variant in disease. Therefore, it has been classified as a Variant of Uncertain Significance.

NM_031448.6(C19orf12):c.349del (p.Leu117fs)

Gene: C19orf12 (chromosome 19 open reading frame 12; minus strand). Cytogenetic location: 19q12.
Variant type: Deletion.
Coding change: c.349del on transcript NM_031448.6 (MANE Select); coding-DNA position 349, one base deleted (C; older notation c.349delC).
Protein change: p.Leu117fs; shifts the reading frame from leucine 117.
Molecular consequence: frameshift variant.
Genome position (GRCh38, 1-based): chr19:29,702,789, G deleted on the plus strand (C on the coding strand, the reverse complement: C19orf12 is on the minus strand); the first of 3 consecutive G bases (chr19:29,702,789-29,702,791); deleting any one gives the same sequence. VCF-style (leftmost placement, unchanged base first): chr19-29702788-AG-A. GRCh37 (hg19) VCF-style: chr19-30193695-AG-A.
Other names: c.349del, p.Leu117fs (NM_001031726.4, NM_001256047.2); c.294del, p.Cys99fs (NM_001256046.3); c.157del, p.Leu53fs (NM_001282929.1, NM_001282930.3, NM_001282931.3); short protein forms C99fs, L53fs, L117fs.
Identifiers: ClinVar variation 3640706 (VCV003640706.2).
Genomic context (GRCh38, chr19:29,702,788, plus strand): 5'-ATCTCGGCCCGCAGCTCCTTGGTGACGTAGTTCACCAGCATGGCCAGCAGCTGCTGCTGC[AG>A]GGCCTCGCTGCCCATGACCAGCGCGGTCAGCTGCACGGCGTCCGTCCACTCCAGGTGCCT-3'